The following is an entry in ClinVar:

ClinVar aggregate classification (germline): Likely benign. Review status: criteria provided, single submitter (1 of 4 stars). 2 submissions from 2 submitters: Likely benign (1). 1 of the submissions does not count toward it. Last evaluated 2024-01-09.

Conditions:
ABCA7-related disorder. Also called: ABCA7-related condition.

Allele frequency attached by ClinVar (database versions not stated): gnomAD exomes 0.00001; TOPMed 0.00002; gnomAD 0.00003; ExAC 0.00004.
gnomAD v4.1: 22 of 1,565,212 alleles (0.0014%); highest among the groups gnomAD compares: Middle Eastern, 0.035%; no homozygotes.

Submissions (2):

Blueprint Genetics
Classification: Likely benign. Last evaluated: 2024-01-09. Review status: criteria provided, single submitter. Criteria: ACMG Guidelines, 2015. Collection method: clinical testing. Allele origin: germline.

PreventionGenetics, part of Exact Sciences
Classification: Likely benign for ABCA7-related condition. Last evaluated: 2019-04-08. Review status: no assertion criteria provided. Collection method: clinical testing. Allele origin: germline. Not counted in ClinVar's aggregate classification.
Comment: This variant is classified as likely benign based on ACMG/AMP sequence variant interpretation guidelines (Richards et al. 2015 PMID: 25741868, with internal and published modifications).

NM_019112.4(ABCA7):c.6027G>A (p.Pro2009=)

Gene: ABCA7 (ATP binding cassette subfamily A member 7; plus strand). Cytogenetic location: 19p13.3.
Variant type: single nucleotide variant.
Coding change: c.6027G>A on transcript NM_019112.4 (MANE Select); coding-DNA position 6027, G replaced by A.
Protein change: p.Pro2009=; no amino-acid change (proline 2009 retained).
Molecular consequence: synonymous variant.
Genome position (GRCh38, 1-based): chr19:1,064,236, G>A. VCF-style: chr19-1064236-G-A. GRCh37 (hg19) VCF-style: chr19-1064235-G-A.
Identifiers: ClinVar variation 3046767 (VCV003046767.3), dbSNP rs538148125, ClinGen allele CA9035085.